The following is an entry in ClinVar:

NM_005012.4(ROR1):c.323G>A (p.Arg108Gln)

Gene: ROR1 (receptor tyrosine kinase like orphan receptor 1; plus strand). Cytogenetic location: 1p31.3.
Variant type: single nucleotide variant.
Coding change: c.323G>A on transcript NM_005012.4 (MANE Select); coding-DNA position 323, G replaced by A.
Protein change: p.Arg108Gln; replaces arginine 108 with glutamine.
Molecular consequence: missense variant.
Genome position (GRCh38, 1-based): chr1:64,049,850, G>A. VCF-style: chr1-64049850-G-A. GRCh37 (hg19) VCF-style: chr1-64515522-G-A.
Other names: c.323G>A, p.Arg108Gln (NM_001083592.2); short protein forms R108Q.
Identifiers: ClinVar variation 2962110 (VCV002962110.3), dbSNP rs773348330, ClinGen allele CA890029.

ClinVar aggregate classification (germline): Uncertain significance (1 of 4 stars; one submission).

Allele frequency attached by ClinVar (database versions not stated): ExAC 0.00001; gnomAD 0.00001; TOPMed 0.00001.
gnomAD v4.1: 17 of 1,613,972 alleles (0.0011%); highest among the groups gnomAD compares: African/African-American, 0.0027%; no homozygotes.

Submission:

Labcorp Genetics (formerly Invitae), Labcorp
Classification: Uncertain significance. Last evaluated: 2024-11-05. Review status: criteria provided, single submitter. Criteria: Invitae Variant Classification Sherloc (09022015). Collection method: clinical testing. Allele origin: germline.
Comment: This sequence change replaces arginine, which is basic and polar, with glutamine, which is neutral and polar, at codon 108 of the ROR1 protein (p.Arg108Gln). This variant is present in population databases (rs773348330, gnomAD 0.0009%). This variant has not been reported in the literature in individuals affected with ROR1-related conditions. ClinVar contains an entry for this variant (Variation ID: 2962110). Invitae Evidence Modeling of protein sequence and biophysical properties (such as structural, functional, and spatial information, amino acid conservation, physicochemical variation, residue mobility, and thermodynamic stability) has been performed for this missense variant. However, the output from this modeling did not meet the statistical confidence thresholds required to predict the impact of this variant on ROR1 protein function. In summary, the available evidence is currently insufficient to determine the role of this variant in disease. Therefore, it has been classified as a Variant of Uncertain Significance.